The following is an entry in ClinVar:

ClinVar aggregate classification (germline): Pathogenic. Review status: criteria provided, multiple submitters, no conflicts (2 of 4 stars). 2 submissions from 2 submitters: Pathogenic (2). Last evaluated 2016-11-16.

Conditions:
Retinoblastoma (RB1). Also called: RETINOBLASTOMA, SOMATIC. Identifiers: Orphanet 790, MedGen C0035335, MeSH D012175, MONDO:0008380, OMIM 180200, HP:0009919. Disease mechanism: loss of function. Inheritance: Both sporadic and heritable forms are tested..
Hereditary cancer-predisposing syndrome. Also called: Tumor predisposition; Hereditary Cancer Syndrome; Hereditary neoplastic syndrome; Neoplastic Syndromes, Hereditary. Identifiers: Orphanet 140162, MedGen C0027672, MeSH D009386, MONDO:0015356.

Submissions (2):

Labcorp Genetics (formerly Invitae), Labcorp
Classification: Pathogenic for Retinoblastoma. Last evaluated: 2016-11-16. Review status: criteria provided, single submitter. Criteria: Invitae Variant Classification Sherloc (09022015). Collection method: clinical testing. Allele origin: germline.
Comment: Loss-of-function variants in RB1 are known to be pathogenic. This particular variant has been reported in the literature in an individual with retinoblastoma (PMID: 12541220). For these reasons, this variant has been classified as Pathogenic. This sequence change creates a premature translational stop signal at codon 443 (p.Ser443*) of the RB1 gene. It is expected to result in an absent or disrupted protein product.

Ambry Genetics
Classification: Pathogenic for Hereditary cancer-predisposing syndrome. Last evaluated: 2014-05-30. Review status: criteria provided, single submitter. Criteria: Ambry Variant Classification Scheme 2023. Collection method: clinical testing. Allele origin: germline.
Comment: The p.S443* pathogenic mutation (also known as c.1328C>A) located in coding exon 13 of the RB1 gene, results from a C to A substitution at nucleotide position 1328. This changes the amino acid from a serine to a stop codon within coding exon 13. This alteration was previously identified in an individual with bilateral retinoblastoma (Richter S, Am. J. Hum. Genet. 2003 Feb; 72(2):253-69). In addition to the clinical data presented in the literature, since premature stop codons are typically deleterious in nature, this alteration is interpreted as a disease-causing mutation (ACMG Recommendations for Standards for Interpretation and Reporting of Sequence Variations. Revision 2007. Genet Med. 2008;10:294).

Literature cited by the submitters: PubMed 12541220 (cited by Labcorp Genetics (formerly Invitae), Labcorp and Ambry Genetics).

NM_000321.3(RB1):c.1328C>A (p.Ser443Ter)

Gene: RB1 (RB transcriptional corepressor 1; plus strand). Cytogenetic location: 13q14.2.
Variant type: single nucleotide variant.
Coding change: c.1328C>A on transcript NM_000321.3 (MANE Select); coding-DNA position 1328, C replaced by A.
Protein change: p.Ser443Ter; replaces serine 443 with a stop codon.
Molecular consequence: nonsense.
Genome position (GRCh38, 1-based): chr13:48,377,030, C>A. VCF-style: chr13-48377030-C-A. GRCh37 (hg19) VCF-style: chr13-48951166-C-A.
Other names: short protein forms S443*.
Identifiers: ClinVar variation 410927 (VCV000410927.13), dbSNP rs1060503079, ClinGen allele CA16614041.
Genomic context (GRCh38, chr13:48,377,030, plus strand): 5'-GATACATCTTTAAAGAGAAATTTGCTAAAGCTGTGGGACAGGGTTGTGTCGAAATTGGAT[C>A]ACAGGTAACTTGAATTCATTGTAATTCGTGGTACTATAGAGTAATAATATTAAAAGCAGC-3'